The following is an entry in ClinVar:

NM_000532.5(PCCB):c.884G>C (p.Ser295Thr)

Gene: PCCB (propionyl-CoA carboxylase subunit beta; plus strand). Cytogenetic location: 3q22.3.
Variant type: single nucleotide variant.
Coding change: c.884G>C on transcript NM_000532.5 (MANE Select); coding-DNA position 884, G replaced by C.
Protein change: p.Ser295Thr; replaces serine 295 with threonine.
Molecular consequence: missense variant.
Genome position (GRCh38, 1-based): chr3:136,298,072, G>C. VCF-style: chr3-136298072-G-C. GRCh37 (hg19) VCF-style: chr3-136016914-G-C.
Other names: c.944G>C, p.Ser315Thr (NM_001178014.2); short protein forms S295T, S315T.
Identifiers: ClinVar variation 899560 (VCV000899560.10), dbSNP rs752029455, ClinGen allele CA2631905.

ClinVar aggregate classification (germline): Conflicting classifications of pathogenicity. Review status: criteria provided, conflicting classifications (1 of 4 stars). 4 submissions from 4 submitters: Likely pathogenic (1); Uncertain significance (3). Last evaluated 2024-07-30.

Conditions:
Propionic acidemia (PROP). Also called: GLYCINEMIA, KETOTIC; HYPERGLYCINEMIA WITH KETOACIDOSIS AND LEUKOPENIA; KETOTIC HYPERGLYCINEMIA. Identifiers: Orphanet 35, MedGen C0268579, MONDO:0011628, OMIM 606054, HP:0003571.

Allele frequency attached by ClinVar (database versions not stated): gnomAD exomes below 0.00001; ExAC 0.00001; TOPMed 0.00001.
gnomAD v4.1: 4 of 1,614,128 alleles (0.00025%); highest among the groups gnomAD compares: Middle Eastern, 0.049%; no homozygotes.

Submissions (4):

Women's Health and Genetics/Laboratory Corporation of America, LabCorp
Classification: Uncertain significance. Last evaluated: 2024-07-30. Review status: criteria provided, single submitter. Criteria: LabCorp Variant Classification Summary - May 2015. Collection method: clinical testing. Allele origin: germline.
Comment: Variant summary: PCCB c.884G>C (p.Ser295Thr) results in a conservative amino acid change located in the Acetyl-coenzyme A carboxyltransferase, C-terminal domain (IPR011763) of the encoded protein sequence. Three of five in-silico tools predict a benign effect of the variant on protein function. In addition, the variant affects the last nucleotide of exon 8, and several computational tools predict a significant impact on normal splicing: two predict the variant abolishes the 5' splicing donor site, while two predict the variant weakens it. However, these predictions have yet to be confirmed by functional studies. The variant was absent in 251454 control chromosomes (gnomAD v2.1). c.884G>C has been reported in the literature following whole genome sequencing in a hoozygous individual affected with Propionic Acidemia (Bertoli-Avella_2021). These data indicate that the variant may be associated with disease. To our knowledge, no experimental evidence demonstrating an impact on protein function has been reported. The following publication have been ascertained in the context of this evaluation (PMID: 32860008). ClinVar contains an entry for this variant (Variation ID: 899560). Based on the evidence outlined above, the variant was classified as VUS-possibly pathogenic.

Genomic Medicine Center of Excellence, King Faisal Specialist Hospital and Research Centre
Classification: Uncertain significance. Last evaluated: 2024-01-18. Review status: criteria provided, single submitter. Criteria: ACMG Guidelines, 2015. Collection method: research. Allele origin: germline.

Illumina Laboratory Services, Illumina
Classification: Uncertain significance for Propionic acidemia. Last evaluated: 2018-01-13. Review status: criteria provided, single submitter. Criteria: ICSL Variant Classification Criteria 13 December 2019. Collection method: clinical testing. Allele origin: germline.

CENTOGENE GmbH and LLC - Guiding Precision Medicine
Classification: Likely pathogenic for Propionic acidemia. Review status: criteria provided, single submitter. Criteria: ACMG Guidelines, 2015. Collection method: clinical testing. Allele origin: germline. Affected: yes.

Literature cited by the submitters: PubMed 32860008 (cited by Women's Health and Genetics/Laboratory Corporation of America, LabCorp and CENTOGENE GmbH and LLC - Guiding Precision Medicine).